The following is an entry in ClinVar:

NM_021072.4(HCN1):c.1160C>G (p.Ala387Gly)

Gene: HCN1 (hyperpolarization activated cyclic nucleotide gated potassium channel 1; minus strand). Cytogenetic location: 5p12.
Variant type: single nucleotide variant.
Coding change: c.1160C>G on transcript NM_021072.4 (MANE Select); coding-DNA position 1160, C replaced by G.
Protein change: p.Ala387Gly; replaces alanine 387 with glycine.
Molecular consequence: missense variant.
Genome position (GRCh38, 1-based): chr5:45,396,562, G>C on the plus strand (C>G on the coding strand, the complement: HCN1 is on the minus strand). VCF-style: chr5-45396562-G-C. GRCh37 (hg19) VCF-style: chr5-45396664-G-C.
Other names: short protein forms A387G.
Identifiers: ClinVar variation 2729721 (VCV002729721.3), dbSNP rs2478006956, ClinGen allele CA359705291.

ClinVar aggregate classification (germline): Pathogenic (1 of 4 stars; one submission).

Conditions:
Early-infantile DEE. Also called: Early infantile epileptic encephalopathy; Early infantile epileptic encephalopathy with suppression bursts; Ohtahara syndrome. Identifiers: Orphanet 1934, MedGen C0393706, MONDO:0800491.

Submission:

Labcorp Genetics (formerly Invitae), Labcorp
Classification: Pathogenic for Early-infantile DEE. Last evaluated: 2023-10-05. Review status: criteria provided, single submitter. Criteria: Invitae Variant Classification Sherloc (09022015). Collection method: clinical testing. Allele origin: germline.
Comment: This sequence change replaces alanine, which is neutral and non-polar, with glycine, which is neutral and non-polar, at codon 387 of the HCN1 protein (p.Ala387Gly). This variant is not present in population databases (gnomAD no frequency). This missense change has been observed in individual(s) with early infantile epileptic encephalopathy (Invitae). In at least one individual the variant was observed to be de novo. Advanced modeling of protein sequence and biophysical properties (such as structural, functional, and spatial information, amino acid conservation, physicochemical variation, residue mobility, and thermodynamic stability) performed at Invitae indicates that this missense variant is expected to disrupt HCN1 protein function. This variant disrupts the p.Ala387 amino acid residue in HCN1. Other variant(s) that disrupt this residue have been determined to be pathogenic (PMID: 27541642). This suggests that this residue is clinically significant, and that variants that disrupt this residue are likely to be disease-causing. For these reasons, this variant has been classified as Pathogenic.

Literature cited by the submitters: PubMed 27541642.